The following is an entry in ClinVar:

NM_020832.3(ZNF687):c.227C>T (p.Pro76Leu)

Gene: ZNF687 (zinc finger protein 687; plus strand). Cytogenetic location: 1q21.3.
Variant type: single nucleotide variant.
Coding change: c.227C>T on transcript NM_020832.3 (MANE Select); coding-DNA position 227, C replaced by T.
Protein change: p.Pro76Leu; replaces proline 76 with leucine.
Molecular consequence: missense variant.
Genome position (GRCh38, 1-based): chr1:151,286,518, C>T. VCF-style: chr1-151286518-C-T. GRCh37 (hg19) VCF-style: chr1-151258994-C-T.
Other names: c.227C>T, p.Pro76Leu (NM_001304763.2, NM_001304764.2); c.227C>T (NM_020832.1); short protein forms P76L.
Identifiers: ClinVar variation 2888869 (VCV002888869.5), dbSNP rs142824299, ClinGen allele CA1088124.

ClinVar aggregate classification (germline): Uncertain significance. Review status: criteria provided, multiple submitters, no conflicts (2 of 4 stars). 2 submissions from 2 submitters: Uncertain significance (2). Last evaluated 2025-02-04.

Allele frequency attached by ClinVar (database versions not stated): gnomAD exomes 0.00001; ExAC 0.00003; gnomAD 0.00006; TOPMed 0.00006; ESP Exome Variant Server 0.00008.
gnomAD v4.1: 31 of 1,614,070 alleles (0.0019%); highest among the groups gnomAD compares: African/African-American, 0.017%; no homozygotes.

Submissions (2):

Ambry Genetics
Classification: Uncertain significance. Last evaluated: 2025-02-04. Review status: criteria provided, single submitter. Criteria: Ambry Variant Classification Scheme 2023. Collection method: clinical testing. Allele origin: germline.

Labcorp Genetics (formerly Invitae), Labcorp
Classification: Uncertain significance. Last evaluated: 2023-04-03. Review status: criteria provided, single submitter. Criteria: Invitae Variant Classification Sherloc (09022015). Collection method: clinical testing. Allele origin: germline.
Comment: This sequence change replaces proline, which is neutral and non-polar, with leucine, which is neutral and non-polar, at codon 76 of the ZNF687 protein (p.Pro76Leu). This variant is present in population databases (rs142824299, gnomAD 0.01%). This variant has not been reported in the literature in individuals affected with ZNF687-related conditions. Algorithms developed to predict the effect of missense changes on protein structure and function output the following: SIFT: "Not Available"; PolyPhen-2: "Benign"; Align-GVGD: "Not Available". The leucine amino acid residue is found in multiple mammalian species, which suggests that this missense change does not adversely affect protein function. In summary, the available evidence is currently insufficient to determine the role of this variant in disease. Therefore, it has been classified as a Variant of Uncertain Significance.